The following is an entry in ClinVar:

ClinVar aggregate classification (germline): Likely pathogenic (1 of 4 stars; one submission).

Submission:

GeneDx
Classification: Likely pathogenic. Last evaluated: 2022-06-13. Review status: criteria provided, single submitter. Criteria: GeneDx Variant Classification Process June 2021. Collection method: clinical testing. Allele origin: germline. Affected: yes.
Comment: Canonical splice site variant expected to result in aberrant splicing, although in the absence of functional evidence the actual effect of this sequence change is unknown.; Not observed at significant frequency in large population cohorts (gnomAD); This variant is associated with the following publications: (PMID: 29529603, 33141305)

NM_001009944.3(PKD1):c.12004-1G>C

Gene: PKD1 (polycystin 1, transient receptor potential channel interacting; minus strand). Cytogenetic location: 16p13.3.
Variant type: single nucleotide variant.
Coding change: c.12004-1G>C on transcript NM_001009944.3 (MANE Select); the canonical splice acceptor site of the intron before coding-DNA position 12004, G replaced by C.
Molecular consequence: splice acceptor variant.
Genome position (GRCh38, 1-based): chr16:2,090,809, C>G on the plus strand (G>C on the coding strand, the complement: PKD1 is on the minus strand). VCF-style: chr16-2090809-C-G. GRCh37 (hg19) VCF-style: chr16-2140810-C-G.
Other names: c.12001-1G>C (NM_000296.4).
Identifiers: ClinVar variation 1804568 (VCV001804568.1), dbSNP rs2544594493, ClinGen allele CA394328199.